The following is an entry in ClinVar:

ClinVar aggregate classification (germline): Uncertain significance (1 of 4 stars; one submission).

Conditions:
KMT2C-related disorder. Also called: KMT2C-related condition; KMT2C-related disorders.

Allele frequency attached by ClinVar (database versions not stated): TOPMed below 0.00001; gnomAD 0.00001.
gnomAD v4.1: 2 of 1,609,222 alleles (0.00012%); highest among the groups gnomAD compares: Admixed American, 0.0017%; no homozygotes.

Submission:

PreventionGenetics, part of Exact Sciences
Classification: Uncertain significance for KMT2C-related condition. Last evaluated: 2023-01-05. Review status: criteria provided, single submitter. Criteria: ACMG Guidelines, 2015. Collection method: clinical testing. Allele origin: germline.
Comment: The KMT2C c.1751C>G variant is predicted to result in the amino acid substitution p.Thr584Ser. To our knowledge, this variant has not been reported in the literature or in a large population database, indicating this variant is rare. At this time, the clinical significance of this variant is uncertain due to the absence of conclusive functional and genetic evidence.

NM_170606.3(KMT2C):c.1751C>G (p.Thr584Ser)

Gene: KMT2C (lysine methyltransferase 2C; minus strand). Cytogenetic location: 7q36.1.
Variant type: single nucleotide variant.
Coding change: c.1751C>G on transcript NM_170606.3 (MANE Select); coding-DNA position 1751, C replaced by G.
Protein change: p.Thr584Ser; replaces threonine 584 with serine.
Molecular consequence: missense variant.
Genome position (GRCh38, 1-based): chr7:152,249,938, G>C on the plus strand (C>G on the coding strand, the complement: KMT2C is on the minus strand). VCF-style: chr7-152249938-G-C. GRCh37 (hg19) VCF-style: chr7-151947023-G-C.
Other names: short protein forms T584S.
Identifiers: ClinVar variation 2630056 (VCV002630056.1), dbSNP rs377753088, ClinGen allele CA370083545.